The following is an entry in ClinVar:

NM_001244008.2(KIF1A):c.2890C>G (p.Pro964Ala)

Gene: KIF1A (kinesin family member 1A; minus strand). Cytogenetic location: 2q37.3.
Variant type: single nucleotide variant.
Coding change: c.2890C>G on transcript NM_001244008.2 (MANE Select); coding-DNA position 2890, C replaced by G.
Protein change: p.Pro964Ala; replaces proline 964 with alanine.
Molecular consequence: missense variant.
Genome position (GRCh38, 1-based): chr2:240,750,516, G>C on the plus strand (C>G on the coding strand, the complement: KIF1A is on the minus strand). VCF-style: chr2-240750516-G-C. GRCh37 (hg19) VCF-style: chr2-241689933-G-C.
Other names: c.2614C>G, p.Pro872Ala (NM_001320705.2, NM_001330289.2, NM_001379638.1); c.2689C>G, p.Pro897Ala (NM_001330290.2, NM_001379634.1, NM_001379635.1 and 1 more transcripts); c.2965C>G, p.Pro989Ala (NM_001379631.1); c.2839C>G, p.Pro947Ala (NM_001379632.1); c.2863C>G, p.Pro955Ala (NM_001379633.1, NM_001379642.1, NM_001379645.1); c.2587C>G, p.Pro863Ala (NM_001379636.1, NM_001379639.1, NM_001379640.1 and 7 more transcripts); c.2662C>G, p.Pro888Ala (NM_001379637.1, NM_001379648.1); short protein forms P947A, P863A, P872A, P897A, P964A, P888A, P955A, P989A.
Identifiers: ClinVar variation 2049362 (VCV002049362.4), dbSNP rs1429666678, ClinGen allele CA351320117.

ClinVar aggregate classification (germline): Uncertain significance (1 of 4 stars; one submission).

Conditions:
Hereditary spastic paraplegia 30. Identifiers: Orphanet 101010, MedGen C5235139, MONDO:0012476.
Neuropathy, hereditary sensory, type 2C. Also called: Hereditary sensory and autonomic neuropathy type IIC; KIF1A-Related HSAN2 (HSAN2C). Identifiers: Orphanet 970, MedGen C3280168, MONDO:0013634, OMIM 614213.
Intellectual disability, autosomal dominant 9 (NESCAVS). Also called: NESCAV SYNDROME; KIF1A-Related Neurodevelopmental Disorder. Identifiers: Orphanet 662367, MedGen C5393830, MONDO:0013656, OMIM 614255.

Allele frequency attached by ClinVar (database versions not stated): TOPMed below 0.00001; gnomAD 0.00001; gnomAD exomes 0.00002.
gnomAD v4.1: 28 of 1,613,752 alleles (0.0017%); highest among the groups gnomAD compares: Non-Finnish European, 0.0022%; no homozygotes.

Submission:

Labcorp Genetics (formerly Invitae), Labcorp
Classification: Uncertain significance for Hereditary spastic paraplegia 30; Neuropathy, hereditary sensory, type 2C; Intellectual disability, autosomal dominant 9. Last evaluated: 2024-06-30. Review status: criteria provided, single submitter. Criteria: Invitae Variant Classification Sherloc (09022015). Collection method: clinical testing. Allele origin: germline.
Comment: This sequence change replaces proline, which is neutral and non-polar, with alanine, which is neutral and non-polar, at codon 863 of the KIF1A protein (p.Pro863Ala). This variant is not present in population databases (gnomAD no frequency). This variant has not been reported in the literature in individuals affected with KIF1A-related conditions. ClinVar contains an entry for this variant (Variation ID: 2049362). Advanced modeling of protein sequence and biophysical properties (such as structural, functional, and spatial information, amino acid conservation, physicochemical variation, residue mobility, and thermodynamic stability) has been performed at Invitae for this missense variant, however the output from this modeling did not meet the statistical confidence thresholds required to predict the impact of this variant on KIF1A protein function. In summary, the available evidence is currently insufficient to determine the role of this variant in disease. Therefore, it has been classified as a Variant of Uncertain Significance.